The following is an entry in ClinVar:

ClinVar aggregate classification (germline): Uncertain significance. Review status: criteria provided, single submitter (1 of 4 stars). 2 submissions from 2 submitters: Uncertain significance (1). 1 of the submissions does not count toward it. Last evaluated 2024-02-17.

Conditions:
Cohen syndrome (COH1). Also called: PEPPER SYNDROME; Cutis verticis gyrata, retinitis pigmentosa, and sensorineural deafness. Identifiers: Orphanet 193, MedGen C0265223, MONDO:0008999, OMIM 216550.

Allele frequency attached by ClinVar (database versions not stated): gnomAD exomes below 0.00001.
gnomAD v4.1: 7 of 1,614,132 alleles (0.00043%); highest among the groups gnomAD compares: Non-Finnish European, 0.00059%; no homozygotes.

Submissions (2):

Labcorp Genetics (formerly Invitae), Labcorp
Classification: Uncertain significance for Cohen syndrome. Last evaluated: 2024-02-17. Review status: criteria provided, single submitter. Criteria: Invitae Variant Classification Sherloc (09022015). Collection method: clinical testing. Allele origin: germline.
Comment: This sequence change replaces lysine, which is basic and polar, with glutamine, which is neutral and polar, at codon 43 of the VPS13B protein (p.Lys43Gln). This variant is not present in population databases (gnomAD no frequency). This variant has not been reported in the literature in individuals affected with VPS13B-related conditions. ClinVar contains an entry for this variant (Variation ID: 1985671). Advanced modeling of protein sequence and biophysical properties (such as structural, functional, and spatial information, amino acid conservation, physicochemical variation, residue mobility, and thermodynamic stability) performed at Invitae indicates that this missense variant is expected to disrupt VPS13B protein function with a positive predictive value of 80%. In summary, the available evidence is currently insufficient to determine the role of this variant in disease. Therefore, it has been classified as a Variant of Uncertain Significance.

Natera, Inc.
Classification: Uncertain significance for Cohen syndrome. Last evaluated: 2025-01-30. Review status: no assertion criteria provided. Collection method: clinical testing. Allele origin: germline. Not counted in ClinVar's aggregate classification.

NM_152564.5(VPS13B):c.127A>C (p.Lys43Gln)

Gene: VPS13B (vacuolar protein sorting 13 homolog B; plus strand). Cytogenetic location: 8q22.2.
Variant type: single nucleotide variant.
Coding change: c.127A>C on transcript NM_152564.5 (MANE Select); coding-DNA position 127, A replaced by C.
Protein change: p.Lys43Gln; replaces lysine 43 with glutamine.
Molecular consequence: missense variant. On other transcripts: non-coding transcript variant (1).
Genome position (GRCh38, 1-based): chr8:99,013,915, A>C. VCF-style: chr8-99013915-A-C. GRCh37 (hg19) VCF-style: chr8-100026143-A-C.
Other names: c.127A>C, p.Lys43Gln (NM_015243.3, NM_017890.5, NM_181661.3); short protein forms K43Q.
Identifiers: ClinVar variation 1985671 (VCV001985671.5), dbSNP rs2132125648, ClinGen allele CA371856489.